The following is an entry in ClinVar:

NM_018685.5(ANLN):c.3031G>A (p.Gly1011Arg)

Gene: ANLN (anillin, actin binding protein; plus strand). Cytogenetic location: 7p14.2.
Variant type: single nucleotide variant.
Coding change: c.3031G>A on transcript NM_018685.5 (MANE Select); coding-DNA position 3031, G replaced by A.
Protein change: p.Gly1011Arg; replaces glycine 1011 with arginine.
Molecular consequence: missense variant.
Genome position (GRCh38, 1-based): chr7:36,443,815, G>A. VCF-style: chr7-36443815-G-A. GRCh37 (hg19) VCF-style: chr7-36483424-G-A.
Other names: c.2920G>A, p.Gly974Arg (NM_001284301.3); c.2917G>A, p.Gly973Arg (NM_001284302.3); short protein forms G1011R, G973R, G974R.
Identifiers: ClinVar variation 1956088 (VCV001956088.5), dbSNP rs745952953, ClinGen allele CA4220071.

ClinVar aggregate classification (germline): Uncertain significance (1 of 4 stars; one submission).

Allele frequency attached by ClinVar (database versions not stated): ExAC 0.00001; gnomAD 0.00001; gnomAD exomes 0.00001; TOPMed 0.00003.
gnomAD v4.1: 11 of 1,612,446 alleles (0.00068%); highest among the groups gnomAD compares: African/African-American, 0.0027%; no homozygotes.

Submission:

Labcorp Genetics (formerly Invitae), Labcorp
Classification: Uncertain significance. Last evaluated: 2024-02-20. Review status: criteria provided, single submitter. Criteria: Invitae Variant Classification Sherloc (09022015). Collection method: clinical testing. Allele origin: germline.
Comment: This sequence change replaces glycine, which is neutral and non-polar, with arginine, which is basic and polar, at codon 1011 of the ANLN protein (p.Gly1011Arg). This variant is present in population databases (rs745952953, gnomAD 0.007%). This variant has not been reported in the literature in individuals affected with ANLN-related conditions. ClinVar contains an entry for this variant (Variation ID: 1956088). Advanced modeling of protein sequence and biophysical properties (such as structural, functional, and spatial information, amino acid conservation, physicochemical variation, residue mobility, and thermodynamic stability) performed at Invitae indicates that this missense variant is not expected to disrupt ANLN protein function with a negative predictive value of 80%. In summary, the available evidence is currently insufficient to determine the role of this variant in disease. Therefore, it has been classified as a Variant of Uncertain Significance.